The following is an entry in ClinVar:

NM_138694.4(PKHD1):c.11738G>A (p.Arg3913His)

Gene: PKHD1 (PKHD1 ciliary IPT domain containing fibrocystin/polyductin; minus strand). Cytogenetic location: 6p12.3.
Variant type: single nucleotide variant.
Coding change: c.11738G>A on transcript NM_138694.4 (MANE Select); coding-DNA position 11738, G replaced by A.
Protein change: p.Arg3913His; replaces arginine 3913 with histidine.
Molecular consequence: missense variant.
Genome position (GRCh38, 1-based): chr6:51,627,044, C>T on the plus strand (G>A on the coding strand, the complement: PKHD1 is on the minus strand). VCF-style: chr6-51627044-C-T. GRCh37 (hg19) VCF-style: chr6-51491842-C-T.
Other names: short protein forms R3913H.
Identifiers: ClinVar variation 241840 (VCV000241840.25), dbSNP rs2661487, ClinGen allele CA3850720.
Genomic context (GRCh38, chr6:51,627,044, plus strand): 5'-CCTCCAAGCTTACCTTCTCCCACCACAGTGTCTTCTTTTTTGGGCCCTTGTGATTCTCGG[C>T]GTTTGGATGAGATGTGGATATGAATATTTTGATTATTAGTCTGGGATTCAGGAATCTCTT-3'
Protein context (NP_619639.3, residues 3903-3923): QNIHIHISSK[Arg3913His]RESQGPKKED

ClinVar aggregate classification (germline): Benign/Likely benign. Review status: criteria provided, multiple submitters, no conflicts (2 of 4 stars). 7 submissions from 7 submitters: Benign (2); Likely benign (4). 1 of the submissions does not count toward it. Last evaluated 2026-02-02.

Conditions:
Polycystic kidney disease 4 (PKD4). Also called: POLYCYSTIC KIDNEY DISEASE 4 WITH OR WITHOUT POLYCYSTIC LIVER DISEASE; Autosomal Recessive Polycystic Kidney Disease – PKHD1; POLYCYSTIC KIDNEY AND HEPATIC DISEASE 1; POLYCYSTIC KIDNEY DISEASE, INFANTILE, TYPE I; PKD3. Identifiers: MedGen C4540575, MONDO:0033004, OMIM 263200.
Autosomal recessive polycystic kidney disease (ARPKD). Also called: AR polycystic kidney disease. Identifiers: Orphanet 731, Orphanet 8378, MedGen C0085548, MeSH D017044, MONDO:0009889.

Allele frequency attached by ClinVar (database versions not stated): 1000 Genomes Project 0.00599; gnomAD exomes 0.00048 and 0.00124; ExAC 0.00146; ESP Exome Variant Server 0.00431; gnomAD 0.00453; TOPMed 0.00465; 1000 Genomes Project 30x 0.00593.
gnomAD v4.1: 1,401 of 1,612,912 alleles (0.087%); highest among the groups gnomAD compares: African/African-American, 1.6%; 8 homozygotes.

Submissions (7):

Labcorp Genetics (formerly Invitae), Labcorp
Classification: Benign for Autosomal recessive polycystic kidney disease. Last evaluated: 2026-02-02. Review status: criteria provided, single submitter. Criteria: Invitae Variant Classification Sherloc (09022015). Collection method: clinical testing. Allele origin: germline.

Women's Health and Genetics/Laboratory Corporation of America, LabCorp
Classification: Likely benign. Last evaluated: 2022-12-16. Review status: criteria provided, single submitter. Criteria: LabCorp Variant Classification Summary - May 2015. Collection method: clinical testing. Allele origin: germline.
Comment: Variant summary: PKHD1 c.11738G>A (p.Arg3913His) results in a non-conservative amino acid change in the encoded protein sequence. Four of five in-silico tools predict a benign effect of the variant on protein function. The variant allele was found at a frequency of 0.0012 in 251238 control chromosomes, predominantly at a frequency of 0.016 within the African or African-American subpopulation in the gnomAD database, including 3 homozygotes. The observed variant frequency within African or African-American control individuals in the gnomAD database is approximately 2.26 fold of the estimated maximal expected allele frequency for a pathogenic variant in PKHD1 causing Polycystic Kidney And Hepatic Disease phenotype (0.0071), strongly suggesting that the variant is a benign polymorphism found primarily in populations of African or African-American origin. To our knowledge, no occurrence of c.11738G>A in individuals affected with Polycystic Kidney And Hepatic Disease and no experimental evidence demonstrating its impact on protein function have been reported. Four clinical diagnostic laboratories have submitted clinical-significance assessments for this variant to ClinVar after 2014 without evidence for independent evaluation. All laboratories classified the variant as benign (n=1) and likely benign (n=3). Based on the evidence outlined above, the variant was classified as likely benign.

GeneDx
Classification: Likely benign. Last evaluated: 2020-03-30. Review status: criteria provided, single submitter. Criteria: GeneDx Variant Classification Process June 2021. Collection method: clinical testing. Allele origin: germline. Affected: yes.

Department of Pathology and Laboratory Medicine, Sinai Health System
Classification: Benign for Polycystic kidney disease 4. Last evaluated: 2019-10-22. Review status: criteria provided, single submitter. Criteria: ACMG Guidelines, 2015. Collection method: clinical testing. Allele origin: germline. Affected: yes.

Illumina Laboratory Services, Illumina
Classification: Likely benign for Polycystic kidney disease 4. Last evaluated: 2018-01-12. Review status: criteria provided, single submitter. Criteria: ICSL Variant Classification Criteria 13 December 2019. Collection method: clinical testing. Allele origin: germline.
Comment: This variant was observed in the ICSL laboratory as part of a predisposition screen in an ostensibly healthy population. It had not been previously curated by ICSL or reported in the Human Gene Mutation Database (HGMD: prior to June 1st, 2018), and was therefore a candidate for classification through an automated scoring system. Utilizing variant allele frequency, disease prevalence and penetrance estimates, and inheritance mode, an automated score was calculated to assess if this variant is too frequent to cause the disease. Based on the score and internal cut-off values, a variant classified as likely benign is not then subjected to further curation. The score for this variant resulted in a classification of likely benign for this disease.

Breakthrough Genomics
Classification: Likely benign. Review status: criteria provided, single submitter. Criteria: ACMG Guidelines, 2015. Collection method: not provided. Allele origin: germline. Inheritance: Autosomal recessive inheritance. Affected: yes.

Natera, Inc.
Classification: Likely benign for Autosomal recessive polycystic kidney disease. Last evaluated: 2017-05-11. Review status: no assertion criteria provided. Collection method: clinical testing. Allele origin: germline. Not counted in ClinVar's aggregate classification.